The following is an entry in ClinVar:

NM_203447.4(DOCK8):c.2033G>A (p.Arg678His)

Gene: DOCK8 (dedicator of cytokinesis 8; plus strand). Cytogenetic location: 9p24.3.
Variant type: single nucleotide variant.
Coding change: c.2033G>A on transcript NM_203447.4 (MANE Select); coding-DNA position 2033, G replaced by A.
Protein change: p.Arg678His; replaces arginine 678 with histidine.
Molecular consequence: missense variant.
Genome position (GRCh38, 1-based): chr9:372,210, G>A. VCF-style: chr9-372210-G-A. GRCh37 (hg19) VCF-style: chr9-372210-G-A.
Other names: c.1829G>A, p.Arg610His (NM_001190458.2, NM_001193536.2); short protein forms R678H, R610H.
Identifiers: ClinVar variation 947342 (VCV000947342.13), dbSNP rs146223665, ClinGen allele CA4958054.

ClinVar aggregate classification (germline): Uncertain significance. Review status: criteria provided, multiple submitters, no conflicts (2 of 4 stars). 4 submissions from 4 submitters: Uncertain significance (4). Last evaluated 2026-04-21.

Conditions:
Hyper-IgE recurrent infection syndrome 3, autosomal recessive. Also called: Autosomal recessive hyper-IgE syndrome due to ZNF341 deficiency; HYPER-IgE SYNDROME 3, AUTOSOMAL RECESSIVE, WITH RECURRENT INFECTIONS. Identifiers: Orphanet 641368, MedGen C4748969, MONDO:0032654, OMIM 618282.
Inborn genetic diseases. Identifiers: MedGen C0950123, MeSH D030342.

Allele frequency attached by ClinVar (database versions not stated): ExAC 0.00003; TOPMed 0.00005; ESP Exome Variant Server 0.00015; 1000 Genomes Project 30x 0.00016; 1000 Genomes Project 0.00020; gnomAD 0.00004 and 0.00006; gnomAD exomes 0.00003.
gnomAD v4.1: 64 of 1,613,932 alleles (0.004%); highest among the groups gnomAD compares: East Asian, 0.087%; no homozygotes.

Submissions (4):

GeneDx
Classification: Uncertain significance. Last evaluated: 2026-04-21. Review status: criteria provided, single submitter. Criteria: GeneDx Variant Classification Process June 2021. Collection method: clinical testing. Allele origin: germline.
Comment: In silico analysis supports that this missense variant has a deleterious effect on protein structure/function; Has not been previously published as pathogenic or benign to our knowledge

Ambry Genetics
Classification: Uncertain significance for Inborn genetic diseases. Last evaluated: 2025-09-11. Review status: criteria provided, single submitter. Criteria: Ambry Variant Classification Scheme 2023. Collection method: clinical testing. Allele origin: germline.

Center for Genomic Medicine, Rigshospitalet, Copenhagen University Hospital
Classification: Uncertain significance. Last evaluated: 2025-03-04. Review status: criteria provided, single submitter. Criteria: ACMG Guidelines, 2015. Collection method: clinical testing. Allele origin: germline.

Labcorp Genetics (formerly Invitae), Labcorp
Classification: Uncertain significance for Combined immunodeficiency due to DOCK8 deficiency. Last evaluated: 2024-01-11. Review status: criteria provided, single submitter. Criteria: Invitae Variant Classification Sherloc (09022015). Collection method: clinical testing. Allele origin: germline.
Comment: This sequence change replaces arginine, which is basic and polar, with histidine, which is basic and polar, at codon 678 of the DOCK8 protein (p.Arg678His). This variant is present in population databases (rs146223665, gnomAD 0.02%). This variant has not been reported in the literature in individuals affected with DOCK8-related conditions. ClinVar contains an entry for this variant (Variation ID: 947342). Advanced modeling of protein sequence and biophysical properties (such as structural, functional, and spatial information, amino acid conservation, physicochemical variation, residue mobility, and thermodynamic stability) performed at Invitae indicates that this missense variant is not expected to disrupt DOCK8 protein function with a negative predictive value of 80%. In summary, the available evidence is currently insufficient to determine the role of this variant in disease. Therefore, it has been classified as a Variant of Uncertain Significance.